The following is an entry in ClinVar:

NM_001242.5(CD27):c.353C>A (p.Thr118Asn)

Genes: CD27 (CD27 molecule; plus strand), CD27-AS1 (CD27 antisense RNA 1; minus strand). Cytogenetic location: 12p13.31.
Variant type: single nucleotide variant.
Coding change: c.353C>A on transcript NM_001242.5 (MANE Select); coding-DNA position 353, C replaced by A.
Protein change: p.Thr118Asn; replaces threonine 118 with asparagine.
Molecular consequence: missense variant.
Genome position (GRCh38, 1-based): chr12:6,450,257, C>A. VCF-style: chr12-6450257-C-A. GRCh37 (hg19) VCF-style: chr12-6559423-C-A.
Other names: short protein forms T118N.
Identifiers: ClinVar variation 644090 (VCV000644090.9), dbSNP rs373598636, ClinGen allele CA6406948.

ClinVar aggregate classification (germline): Uncertain significance (1 of 4 stars; one submission).

Conditions:
Lymphoproliferative syndrome 2 (LPFS2). Also called: CD27 DEFICIENCY; Combined immunodeficiency due to CD27 deficiency. Identifiers: Orphanet 238505, MedGen C3554540, MONDO:0014054, OMIM 615122.

Allele frequency attached by ClinVar (database versions not stated): gnomAD exomes below 0.00001 and 0.00001; TOPMed below 0.00001; ExAC 0.00001; gnomAD 0.00001; ESP Exome Variant Server 0.00008.

Submission:

Labcorp Genetics (formerly Invitae), Labcorp
Classification: Uncertain significance for Lymphoproliferative syndrome 2. Last evaluated: 2022-08-15. Review status: criteria provided, single submitter. Criteria: Invitae Variant Classification Sherloc (09022015). Collection method: clinical testing. Allele origin: germline.
Comment: ClinVar contains an entry for this variant (Variation ID: 644090). This sequence change replaces threonine, which is neutral and polar, with asparagine, which is neutral and polar, at codon 118 of the CD27 protein (p.Thr118Asn). This variant is present in population databases (rs373598636, gnomAD 0.002%). This variant has not been reported in the literature in individuals affected with CD27-related conditions. Algorithms developed to predict the effect of missense changes on protein structure and function are either unavailable or do not agree on the potential impact of this missense change (SIFT: "Deleterious"; PolyPhen-2: "Possibly Damaging"; Align-GVGD: "Class C0"). In summary, the available evidence is currently insufficient to determine the role of this variant in disease. Therefore, it has been classified as a Variant of Uncertain Significance.